The following is an entry in ClinVar:

ClinVar aggregate classification (germline): Pathogenic (1 of 4 stars; one submission).

Conditions:
Retinoblastoma (RB1). Also called: RETINOBLASTOMA, SOMATIC. Identifiers: Orphanet 790, MedGen C0035335, MeSH D012175, MONDO:0008380, OMIM 180200, HP:0009919. Disease mechanism: loss of function. Inheritance: Both sporadic and heritable forms are tested..

Submission:

Labcorp Genetics (formerly Invitae), Labcorp
Classification: Pathogenic for Retinoblastoma. Last evaluated: 2023-09-10. Review status: criteria provided, single submitter. Criteria: Invitae Variant Classification Sherloc (09022015). Collection method: clinical testing. Allele origin: germline.
Comment: For these reasons, this variant has been classified as Pathogenic. This premature translational stop signal has been observed in individual(s) with retinoblastoma (PMID: 14722923). This variant is not present in population databases (gnomAD no frequency). This sequence change creates a premature translational stop signal (p.Val378Leufs*2) in the RB1 gene. It is expected to result in an absent or disrupted protein product. Loss-of-function variants in RB1 are known to be pathogenic (PMID: 17096365).

Literature cited by the submitters: PubMed 14722923; PubMed 17096365.

NM_000321.3(RB1):c.1131del (p.Val378fs)

Gene: RB1 (RB transcriptional corepressor 1; plus strand). Cytogenetic location: 13q14.2.
Variant type: Deletion.
Coding change: c.1131del on transcript NM_000321.3 (MANE Select); coding-DNA position 1131, one base deleted (T; older notation c.1131delT).
Protein change: p.Val378fs; shifts the reading frame from valine 378.
Molecular consequence: frameshift variant.
Genome position (GRCh38, 1-based): chr13:48,373,408, T deleted. VCF-style (leftmost placement, unchanged base first): chr13-48373407-CT-C. GRCh37 (hg19) VCF-style: chr13-48947543-CT-C.
Other names: c.1131del, p.Val378fs (NM_001407165.1, NM_001407166.1); short protein forms V378fs.
Identifiers: ClinVar variation 2736024 (VCV002736024.3), dbSNP rs2542194805, ClinGen allele CA2695218378.